The following is an entry in ClinVar:

ClinVar aggregate classification (germline): Uncertain significance (1 of 4 stars; one submission).

Conditions:
Congenital myotonia, autosomal dominant form (THD). Also called: THOMSEN DISEASE; Myotonia congenita autosomal dominant. Identifiers: Orphanet 614, MedGen C2936781, MONDO:0008055, OMIM 160800.
Congenital myotonia, autosomal recessive form. Also called: Becker Generalized Myotonia; myotonia congenita, autosomal recessive; BECKER DISEASE. Identifiers: Orphanet 614, MedGen C0751360, MONDO:0009715, OMIM 255700.

gnomAD v4.1: 4 of 1,597,712 alleles (0.00025%); highest among the groups gnomAD compares: Non-Finnish European, 0.00034%; no homozygotes.

Submission:

Labcorp Genetics (formerly Invitae), Labcorp
Classification: Uncertain significance for Congenital myotonia, autosomal recessive form; Congenital myotonia, autosomal dominant form. Last evaluated: 2024-02-20. Review status: criteria provided, single submitter. Criteria: Invitae Variant Classification Sherloc (09022015). Collection method: clinical testing. Allele origin: germline.
Comment: This sequence change falls in intron 8 of the CLCN1 gene. It does not directly change the encoded amino acid sequence of the CLCN1 protein. This variant is present in population databases (rs756454039, gnomAD 0.002%). This variant has not been reported in the literature in individuals affected with CLCN1-related conditions. Algorithms developed to predict the effect of sequence changes on RNA splicing suggest that this variant may disrupt the consensus splice site. In summary, the available evidence is currently insufficient to determine the role of this variant in disease. Therefore, it has been classified as a Variant of Uncertain Significance.

NM_000083.3(CLCN1):c.980-12T>C

Gene: CLCN1 (chloride voltage-gated channel 1; plus strand). Cytogenetic location: 7q34.
Variant type: single nucleotide variant.
Coding change: c.980-12T>C on transcript NM_000083.3 (MANE Select); 12 bases into the intron before coding-DNA position 980, T replaced by C.
Molecular consequence: intron variant.
Genome position (GRCh38, 1-based): chr7:143,331,220, T>C. VCF-style: chr7-143331220-T-C. GRCh37 (hg19) VCF-style: chr7-143028313-T-C.
Identifiers: ClinVar variation 3754829 (VCV003754829.2).